The following is an entry in ClinVar:

NM_206933.4(USH2A):c.4627+641G>A

Gene: USH2A (usherin; minus strand). Cytogenetic location: 1q41.
Variant type: single nucleotide variant.
Coding change: c.4627+641G>A on transcript NM_206933.4 (MANE Select); 641 bases into the intron after coding-DNA position 4627, G replaced by A.
Molecular consequence: intron variant. On other transcripts: 3 prime UTR variant (1).
Genome position (GRCh38, 1-based): chr1:216,174,611, C>T on the plus strand (G>A on the coding strand, the complement: USH2A is on the minus strand). VCF-style: chr1-216174611-C-T. GRCh37 (hg19) VCF-style: chr1-216347953-C-T.
Other names: c.*627G>A (NM_007123.6).
Identifiers: ClinVar variation 875975 (VCV000875975.5), dbSNP rs146153666, ClinGen allele CA37492377.

ClinVar aggregate classification (germline): Conflicting classifications of pathogenicity. Review status: criteria provided, conflicting classifications (1 of 4 stars). 3 submissions from 2 submitters: Uncertain significance (1); Benign (1); Likely benign (1). Last evaluated 2021-08-23.

Conditions:
Retinitis pigmentosa (RP). Identifiers: Orphanet 791, MedGen C0035334, MeSH D012174, MONDO:0019200, OMIM 268000. Inheritance: Autosomal dominant, autosomal recessive and X linked inheritance.
Usher syndrome type 2A. Also called: RETINAL DISEASE IN USHER SYNDROME TYPE IIA, MODIFIER OF; USHER SYNDROME, TYPE IIA. Identifiers: Orphanet 231178, Orphanet 886, MedGen C1848634, MONDO:0010169, OMIM 276901.

Allele frequency attached by ClinVar (database versions not stated): gnomAD exomes 0.00044; gnomAD 0.00491 and 0.00523; TOPMed 0.00544; 1000 Genomes Project 30x 0.00687; 1000 Genomes Project 0.00699.
gnomAD v4.1: 1,120 of 981,762 alleles (0.11%); highest among the groups gnomAD compares: African/African-American, 1.7%; 10 homozygotes.

Submissions (3):

GeneDx
Classification: Likely benign. Last evaluated: 2021-08-23. Review status: criteria provided, single submitter. Criteria: GeneDx Variant Classification Process June 2021. Collection method: clinical testing. Allele origin: germline. Affected: yes.

Illumina Laboratory Services, Illumina
Classification: Uncertain significance for Retinitis pigmentosa. Last evaluated: 2017-04-27. Review status: criteria provided, single submitter. Criteria: ICSL Variant Classification Criteria 13 December 2019. Collection method: clinical testing. Allele origin: germline.

Illumina Laboratory Services, Illumina
Classification: Benign for Usher syndrome type 2A. Last evaluated: 2017-04-27. Review status: criteria provided, single submitter. Criteria: ICSL Variant Classification Criteria 13 December 2019. Collection method: clinical testing. Allele origin: germline.
Comment: This variant was observed as part of a predisposition screen in an ostensibly healthy population. A literature search was performed for the gene, cDNA change, and amino acid change (where applicable). No publications were found based on this search. Allele frequency data from public databases was too high to be consistent with this variant causing disease. Therefore, this variant is classified as benign.